The following is an entry in ClinVar:

ClinVar aggregate classification (germline): Uncertain significance. Review status: criteria provided, multiple submitters, no conflicts (2 of 4 stars). 4 submissions from 4 submitters: Uncertain significance (2). 2 of the submissions do not count toward it. Last evaluated 2024-11-02.

Conditions:
Bloom syndrome (BLM). Also called: Bloom-Torre-Machacek syndrome. Identifiers: Orphanet 125, MedGen C0005859, MONDO:0008876, OMIM 210900.
Hereditary cancer-predisposing syndrome. Also called: Hereditary Cancer Syndrome; Hereditary neoplastic syndrome; Neoplastic Syndromes, Hereditary; Tumor predisposition. Identifiers: Orphanet 140162, MedGen C0027672, MeSH D009386, MONDO:0015356.

Submissions (4):

Ambry Genetics
Classification: Uncertain significance for Hereditary cancer-predisposing syndrome. Last evaluated: 2024-11-02. Review status: criteria provided, single submitter. Criteria: Ambry Variant Classification Scheme 2023. Collection method: clinical testing. Allele origin: germline.
Comment: The p.N638S variant (also known as c.1913A>G), located in coding exon 7 of the BLM gene, results from an A to G substitution at nucleotide position 1913. The asparagine at codon 638 is replaced by serine, an amino acid with highly similar properties. This amino acid position is conserved. In addition, this alteration is predicted to be tolerated by in silico analysis. Based on the available evidence, the clinical significance of this variant remains unclear.

Labcorp Genetics (formerly Invitae), Labcorp
Classification: Uncertain significance for Bloom syndrome. Last evaluated: 2024-02-16. Review status: criteria provided, single submitter. Criteria: Invitae Variant Classification Sherloc (09022015). Collection method: clinical testing. Allele origin: germline.
Comment: This sequence change replaces asparagine, which is neutral and polar, with serine, which is neutral and polar, at codon 638 of the BLM protein (p.Asn638Ser). This variant is not present in population databases (gnomAD no frequency). This variant has not been reported in the literature in individuals affected with BLM-related conditions. ClinVar contains an entry for this variant (Variation ID: 405319). Advanced modeling of protein sequence and biophysical properties (such as structural, functional, and spatial information, amino acid conservation, physicochemical variation, residue mobility, and thermodynamic stability) performed at Invitae indicates that this missense variant is not expected to disrupt BLM protein function with a negative predictive value of 80%. In summary, the available evidence is currently insufficient to determine the role of this variant in disease. Therefore, it has been classified as a Variant of Uncertain Significance.

Natera, Inc.
Classification: Uncertain significance for Bloom syndrome. Last evaluated: 2020-10-13. Review status: no assertion criteria provided. Collection method: clinical testing. Allele origin: germline. Not counted in ClinVar's aggregate classification.

Counsyl
Classification: Uncertain significance for Bloom syndrome. Last evaluated: 2017-11-02. Review status: no assertion criteria provided. Collection method: clinical testing. Allele origin: unknown. Not counted in ClinVar's aggregate classification.

NM_000057.4(BLM):c.1913A>G (p.Asn638Ser)

Gene: BLM (BLM RecQ like helicase; plus strand). Cytogenetic location: 15q26.1.
Variant type: single nucleotide variant.
Coding change: c.1913A>G on transcript NM_000057.4 (MANE Select); coding-DNA position 1913, A replaced by G.
Protein change: p.Asn638Ser; replaces asparagine 638 with serine.
Molecular consequence: missense variant.
Genome position (GRCh38, 1-based): chr15:90,762,996, A>G. VCF-style: chr15-90762996-A-G. GRCh37 (hg19) VCF-style: chr15-91306226-A-G.
Other names: c.1913A>G (LRG_20t1); c.1913A>G, p.Asn638Ser (NM_001287246.2, NM_001287247.2); c.788A>G, p.Asn263Ser (NM_001287248.2); short protein forms N638S, N263S.
Identifiers: ClinVar variation 405319 (VCV000405319.13), dbSNP rs587778110, ClinGen allele CA16614541.
Genomic context (GRCh38, chr15:90,762,996, plus strand): 5'-GATTTTTCTTAACGTTGATTATTTTCCTAGACAAGTCAGCACAAAATTTAGCATCCAGAA[A>G]TCTGAAACATGAGCGTTTCCAAAGTCTTAGTTTTCCTCATACAAAGGAAATGATGAAGAT-3'
Protein context (NP_000048.1, residues 628-648): DKSAQNLASR[Asn638Ser]LKHERFQSLS